The following is an entry in ClinVar:

NM_138927.4(SON):c.4832G>T (p.Gly1611Val)

Gene: SON (SON DNA and RNA binding protein; plus strand). Cytogenetic location: 21q22.11.
Variant type: single nucleotide variant.
Coding change: c.4832G>T on transcript NM_138927.4 (MANE Select); coding-DNA position 4832, G replaced by T.
Protein change: p.Gly1611Val; replaces glycine 1611 with valine.
Molecular consequence: missense variant. On other transcripts: non-coding transcript variant (1), intron variant (1).
Genome position (GRCh38, 1-based): chr21:33,554,063, G>T. VCF-style: chr21-33554063-G-T. GRCh37 (hg19) VCF-style: chr21-34926369-G-T.
Other names: c.4832G>T, p.Gly1611Val (NM_001291411.2, NM_001412133.1, NM_032195.3 and 2 more transcripts); c.245-3093G>T (NM_001291412.3); short protein forms G1611V.
Identifiers: ClinVar variation 3060567 (VCV003060567.2), dbSNP rs374928342, ClinGen allele CA10009606.
Genomic context (GRCh38, chr21:33,554,063, plus strand): 5'-AAACTCTATCTTCTACTGGTCCTTTTGCTCTGGAACCTGATGCAACAGGAACTAGTAAGG[G>T]TATTGAATTTACCACAGCATCTACTCTCAGTTTAGTTAATAAATATGATGTTGATTTATC-3'
Protein context (NP_620305.3, residues 1601-1621): LEPDATGTSK[Gly1611Val]IEFTTASTLS

ClinVar aggregate classification (germline): Likely benign (0 of 4 stars; one submission).

Conditions:
SON-related disorder. Also called: SON-related condition.

Allele frequency attached by ClinVar (database versions not stated): gnomAD 0.00001; ExAC 0.00004; ESP Exome Variant Server 0.00008.
gnomAD v4.1: 14 of 1,613,972 alleles (0.00087%); highest among the groups gnomAD compares: East Asian, 0.027%; no homozygotes.

Submission:

PreventionGenetics, part of Exact Sciences
Classification: Likely benign for SON-related condition. Last evaluated: 2022-03-15. Review status: no assertion criteria provided. Collection method: clinical testing. Allele origin: germline.
Comment: This variant is classified as likely benign based on ACMG/AMP sequence variant interpretation guidelines (Richards et al. 2015 PMID: 25741868, with internal and published modifications).